The following is an entry in ClinVar:

NM_003172.4(SURF1):c.507C>T (p.Thr169=)

Gene: SURF1 (SURF1 cytochrome c oxidase assembly factor; minus strand). Cytogenetic location: 9q34.2.
Variant type: single nucleotide variant.
Coding change: c.507C>T on transcript NM_003172.4 (MANE Select); coding-DNA position 507, C replaced by T.
Protein change: p.Thr169=; no amino-acid change (threonine 169 retained).
Molecular consequence: synonymous variant.
Genome position (GRCh38, 1-based): chr9:133,353,757, G>A on the plus strand (C>T on the coding strand, the complement: SURF1 is on the minus strand). VCF-style: chr9-133353757-G-A. GRCh37 (hg19) VCF-style: chr9-136220612-G-A.
Other names: c.180C>T, p.Thr60= (NM_001280787.1).
Identifiers: ClinVar variation 914051 (VCV000914051.10), dbSNP rs782614599, ClinGen allele CA200832954.

ClinVar aggregate classification (germline): Conflicting classifications of pathogenicity. Review status: criteria provided, conflicting classifications (1 of 4 stars). 3 submissions from 3 submitters: Uncertain significance (1); Likely benign (1). 1 of the submissions does not count toward it. Last evaluated 2025-04-16.

Conditions:
SURF1-related disorder. Also called: SURF1-related condition.
Leigh syndrome (NULS). Also called: Leigh Disease; Subacute necrotizing encephalopathy; Necrotizing encephalopathy infantile subacute of Leigh; Leigh's syndrome; Leigh's necrotizing encephalopathy; Leigh's disease. Identifiers: Orphanet 506, MedGen C2931891, MONDO:0009723, OMIM 256000.

Allele frequency attached by ClinVar (database versions not stated): gnomAD exomes 0.00001 and 0.00002; ExAC 0.00002; TOPMed 0.00003; gnomAD 0.00005.
gnomAD v4.1: 23 of 1,613,700 alleles (0.0014%); highest among the groups gnomAD compares: Admixed American, 0.017%; no homozygotes.

Submissions (3):

Labcorp Genetics (formerly Invitae), Labcorp
Classification: Likely benign for Leigh syndrome. Last evaluated: 2025-04-16. Review status: criteria provided, single submitter. Criteria: Invitae Variant Classification Sherloc (09022015). Collection method: clinical testing. Allele origin: germline.

Illumina Laboratory Services, Illumina
Classification: Uncertain significance for Leigh syndrome. Last evaluated: 2018-01-12. Review status: criteria provided, single submitter. Criteria: ICSL Variant Classification Criteria 13 December 2019. Collection method: clinical testing. Allele origin: germline.

PreventionGenetics, part of Exact Sciences
Classification: Likely benign for SURF1-related condition. Last evaluated: 2021-11-13. Review status: no assertion criteria provided. Collection method: clinical testing. Allele origin: germline. Not counted in ClinVar's aggregate classification.
Comment: This variant is classified as likely benign based on ACMG/AMP sequence variant interpretation guidelines (Richards et al. 2015 PMID: 25741868, with internal and published modifications).